The following is an entry in ClinVar:

ClinVar aggregate classification (germline): Uncertain significance (1 of 4 stars; one submission).

Allele frequency attached by ClinVar (database versions not stated): gnomAD exomes 0.00001.
gnomAD v4.1: 6 of 1,613,828 alleles (0.00037%); highest among the groups gnomAD compares: Non-Finnish European, 0.00051%; no homozygotes.

Submission:

Labcorp Genetics (formerly Invitae), Labcorp
Classification: Uncertain significance. Last evaluated: 2025-09-02. Review status: criteria provided, single submitter. Criteria: Invitae Variant Classification Sherloc (09022015). Collection method: clinical testing. Allele origin: germline.
Comment: This sequence change replaces methionine with leucine at codon 812 of the MYO18B protein (p.Met812Leu). The methionine residue is weakly conserved and there is a small physicochemical difference between methionine and leucine. This variant is not present in population databases (gnomAD no frequency). This variant has not been reported in the literature in individuals affected with MYO18B-related conditions. ClinVar contains an entry for this variant (Variation ID: 1364224). An algorithm developed to predict the effect of missense changes on protein structure and function outputs the following: PolyPhen-2: "Benign". The leucine amino acid residue is found in multiple mammalian species, which suggests that this missense change does not adversely affect protein function. In summary, the available evidence is currently insufficient to determine the role of this variant in disease. Therefore, it has been classified as a Variant of Uncertain Significance.

NM_032608.7(MYO18B):c.2434A>T (p.Met812Leu)

Gene: MYO18B (myosin XVIIIB; plus strand). Cytogenetic location: 22q12.1.
Variant type: single nucleotide variant.
Coding change: c.2434A>T on transcript NM_032608.7 (MANE Select); coding-DNA position 2434, A replaced by T.
Protein change: p.Met812Leu; replaces methionine 812 with leucine.
Molecular consequence: missense variant.
Genome position (GRCh38, 1-based): chr22:25,798,010, A>T. VCF-style: chr22-25798010-A-T. GRCh37 (hg19) VCF-style: chr22-26193977-A-T.
Other names: c.2434A>T, p.Met812Leu (NM_001318245.2); short protein forms M812L.
Identifiers: ClinVar variation 1364224 (VCV001364224.8), dbSNP rs2145759051, ClinGen allele CA410996321.